The following is an entry in ClinVar:

ClinVar aggregate classification (germline): Uncertain significance. Review status: criteria provided, multiple submitters, no conflicts (2 of 4 stars). 3 submissions from 3 submitters: Uncertain significance (3). Last evaluated 2025-12-28.

Conditions:
Seizures, benign familial neonatal, 2. Also called: KCNQ3-Related Self-Limited Familial Neonatal Epilepsy (SLFNE); Benign Neonatal Epilepsy 2; CONVULSIONS, BENIGN FAMILIAL NEONATAL, 2; KCNQ3-Related Benign Familial Neonatal Epilepsy; Seizures, benign neonatal, 2. Identifiers: Orphanet 1949, MedGen C1852581, MONDO:0007366, OMIM 121201.
Benign neonatal seizures. Also called: Benign familial neonatal epilepsy; Benign familial neonatal seizures; Convulsions benign familial neonatal dominant form; Autosomal dominant form of benign neonatal seizures; Benign neonatal familial convulsions. Identifiers: Orphanet 1949, MedGen C0220669, MONDO:0016027.

Allele frequency attached by ClinVar (database versions not stated): TOPMed below 0.00001; gnomAD exomes 0.00002 and 0.00003; gnomAD 0.00003.
gnomAD v4.1: 42 of 1,613,936 alleles (0.0026%); highest among the groups gnomAD compares: East Asian, 0.0045%; no homozygotes.

Submissions (3):

Labcorp Genetics (formerly Invitae), Labcorp
Classification: Uncertain significance for Benign neonatal seizures. Last evaluated: 2025-12-28. Review status: criteria provided, single submitter. Criteria: Invitae Variant Classification Sherloc (09022015). Collection method: clinical testing. Allele origin: germline.
Comment: This sequence change replaces isoleucine, which is neutral and non-polar, with threonine, which is neutral and polar, at codon 393 of the KCNQ3 protein (p.Ile393Thr). This variant is present in population databases (rs201814804, gnomAD 0.005%). This variant has not been reported in the literature in individuals affected with KCNQ3-related conditions. ClinVar contains an entry for this variant (Variation ID: 570705). Invitae Evidence Modeling of protein sequence and biophysical properties (such as structural, functional, and spatial information, amino acid conservation, physicochemical variation, residue mobility, and thermodynamic stability) indicates that this missense variant is not expected to disrupt KCNQ3 protein function with a negative predictive value of 80%. In summary, the available evidence is currently insufficient to determine the role of this variant in disease. Therefore, it has been classified as a Variant of Uncertain Significance.

CeGaT Center for Human Genetics Tuebingen
Classification: Uncertain significance. Last evaluated: 2022-04-01. Review status: criteria provided, single submitter. Criteria: CeGaT Center For Human Genetics Tuebingen Variant Classification Criteria Version 2. Collection method: clinical testing. Allele origin: germline. Affected: yes. Observed: 1 variant allele.
Comment: KCNQ3: PP2

Fulgent Genetics
Classification: Uncertain significance for Seizures, benign familial neonatal, 2. Last evaluated: 2018-10-31. Review status: criteria provided, single submitter. Criteria: ACMG Guidelines, 2015. Collection method: clinical testing. Allele origin: unknown.

NM_004519.4(KCNQ3):c.1178T>C (p.Ile393Thr)

Gene: KCNQ3 (potassium voltage-gated channel subfamily Q member 3; minus strand). Cytogenetic location: 8q24.22.
Variant type: single nucleotide variant.
Coding change: c.1178T>C on transcript NM_004519.4 (MANE Select); coding-DNA position 1178, T replaced by C.
Protein change: p.Ile393Thr; replaces isoleucine 393 with threonine.
Molecular consequence: missense variant.
Genome position (GRCh38, 1-based): chr8:132,170,391, A>G on the plus strand (T>C on the coding strand, the complement: KCNQ3 is on the minus strand). VCF-style: chr8-132170391-A-G. GRCh37 (hg19) VCF-style: chr8-133182638-A-G.
Other names: c.818T>C, p.Ile273Thr (NM_001204824.2); short protein forms I393T, I273T.
Identifiers: ClinVar variation 570705 (VCV000570705.39), dbSNP rs201814804, ClinGen allele CA186222956.